The following is an entry in ClinVar:

ClinVar aggregate classification (germline): Uncertain significance (1 of 4 stars; one submission).

Submission:

Labcorp Genetics (formerly Invitae), Labcorp
Classification: Uncertain significance. Last evaluated: 2022-04-18. Review status: criteria provided, single submitter. Criteria: Invitae Variant Classification Sherloc (09022015). Collection method: clinical testing. Allele origin: germline.
Comment: This sequence change replaces methionine, which is neutral and non-polar, with isoleucine, which is neutral and non-polar, at codon 1743 of the NBAS protein (p.Met1743Ile). This variant is not present in population databases (gnomAD no frequency). This variant has not been reported in the literature in individuals affected with NBAS-related conditions. Algorithms developed to predict the effect of missense changes on protein structure and function are either unavailable or do not agree on the potential impact of this missense change (SIFT: "Deleterious"; PolyPhen-2: "Benign"; Align-GVGD: "Class C0"). In summary, the available evidence is currently insufficient to determine the role of this variant in disease. Therefore, it has been classified as a Variant of Uncertain Significance.

NM_015909.4(NBAS):c.5229G>C (p.Met1743Ile)

Gene: NBAS (NBAS subunit of NRZ tethering complex; minus strand). Cytogenetic location: 2p24.3.
Variant type: single nucleotide variant.
Coding change: c.5229G>C on transcript NM_015909.4 (MANE Select); coding-DNA position 5229, G replaced by C.
Protein change: p.Met1743Ile; replaces methionine 1743 with isoleucine.
Molecular consequence: missense variant. On other transcripts: non-coding transcript variant (1).
Genome position (GRCh38, 1-based): chr2:15,277,011, C>G on the plus strand (G>C on the coding strand, the complement: NBAS is on the minus strand). VCF-style: chr2-15277011-C-G. GRCh37 (hg19) VCF-style: chr2-15417135-C-G.
Other names: short protein forms M1743I.
Identifiers: ClinVar variation 1945486 (VCV001945486.2), dbSNP rs1427070506, ClinGen allele CA345883887.